The following is an entry in ClinVar:

ClinVar aggregate classification (germline): Uncertain significance (1 of 4 stars; one submission).

Conditions:
Hereditary cancer-predisposing syndrome. Also called: Neoplastic Syndromes, Hereditary; Tumor predisposition; Hereditary Cancer Syndrome; Hereditary neoplastic syndrome. Identifiers: Orphanet 140162, MedGen C0027672, MeSH D009386, MONDO:0015356.

Submission:

Color Diagnostics, LLC DBA Color Health
Classification: Uncertain significance for Hereditary cancer-predisposing syndrome. Last evaluated: 2023-12-06. Review status: criteria provided, single submitter. Criteria: ACMG Guidelines, 2015. Collection method: clinical testing. Allele origin: germline.
Comment: This variant causes a C to T nucleotide substitution at the +3 position of intron 4 of the BAP1 gene. To our knowledge, functional studies have not been reported for this variant. This variant has not been reported in individuals affected with BAP1-related disorders in the literature. This variant has not been identified in the general population by the Genome Aggregation Database (gnomAD). The available evidence is insufficient to determine the role of this variant in disease conclusively. Therefore, this variant is classified as a Variant of Uncertain Significance.

NM_004656.4(BAP1):c.255+3C>T

Gene: BAP1 (BRCA1 associated deubiquitinase 1; minus strand). Cytogenetic location: 3p21.1.
Variant type: single nucleotide variant.
Coding change: c.255+3C>T on transcript NM_004656.4 (MANE Select); 3 bases into the intron after coding-DNA position 255, C replaced by T.
Molecular consequence: intron variant.
Genome position (GRCh38, 1-based): chr3:52,408,471, G>A on the plus strand (C>T on the coding strand, the complement: BAP1 is on the minus strand). VCF-style: chr3-52408471-G-A. GRCh37 (hg19) VCF-style: chr3-52442487-G-A.
Other names: c.255+3C>T (NM_001410772.1).
Identifiers: ClinVar variation 2774763 (VCV002774763.2), dbSNP rs1053772065, ClinGen allele CA74744311.